The following is an entry in ClinVar:

NM_001171.6(ABCC6):c.2696G>A (p.Arg899His)

Gene: ABCC6 (ATP binding cassette subfamily C member 6; minus strand). Cytogenetic location: 16p13.11.
Variant type: single nucleotide variant.
Coding change: c.2696G>A on transcript NM_001171.6 (MANE Select); coding-DNA position 2696, G replaced by A.
Protein change: p.Arg899His; replaces arginine 899 with histidine.
Molecular consequence: missense variant. On other transcripts: non-coding transcript variant (1).
Genome position (GRCh38, 1-based): chr16:16,173,375, C>T on the plus strand (G>A on the coding strand, the complement: ABCC6 is on the minus strand). VCF-style: chr16-16173375-C-T. GRCh37 (hg19) VCF-style: chr16-16267232-C-T.
Other names: p.Arg899His; c.2354G>A, p.Arg785His (NM_001351800.1); short protein forms R899H, R785H.
Identifiers: ClinVar variation 742983 (VCV000742983.12), dbSNP rs116355959, ClinGen allele CA7925812.

ClinVar aggregate classification (germline): Likely benign. Review status: criteria provided, multiple submitters, no conflicts (2 of 4 stars). 4 submissions from 4 submitters: Likely benign (4). Last evaluated 2026-02-04.

Conditions:
ABCC6-related disorder. Also called: ABCC6-related condition.

Allele frequency attached by ClinVar (database versions not stated): gnomAD exomes 0.00011 and 0.00033; ExAC 0.00045; gnomAD 0.00121 and 0.00125; 1000 Genomes Project 30x 0.00141; TOPMed 0.00150; ESP Exome Variant Server 0.00154; 1000 Genomes Project 0.00160.
gnomAD v4.1: 343 of 1,614,032 alleles (0.021%); highest among the groups gnomAD compares: African/African-American, 0.39%; 1 homozygote.

Submissions (4):

Labcorp Genetics (formerly Invitae), Labcorp
Classification: Likely benign. Last evaluated: 2026-02-04. Review status: criteria provided, single submitter. Criteria: Invitae Variant Classification Sherloc (09022015). Collection method: clinical testing. Allele origin: germline.

Mayo Clinic Laboratories, Mayo Clinic
Classification: Likely benign. Last evaluated: 2025-12-14. Review status: criteria provided, single submitter. Criteria: ACMG Guidelines, 2015. Collection method: clinical testing. Allele origin: germline. Observed: 1 variant allele.
Comment: BS1, BP4_moderate

Blueprint Genetics
Classification: Likely benign. Last evaluated: 2024-11-26. Review status: criteria provided, single submitter. Criteria: ACMG Guidelines, 2015. Collection method: clinical testing. Allele origin: germline.

PreventionGenetics, part of Exact Sciences
Classification: Likely benign for ABCC6-related condition. Last evaluated: 2024-10-25. Review status: criteria provided, single submitter. Criteria: ACMG Guidelines, 2015. Collection method: clinical testing. Allele origin: germline.
Comment: This variant is classified as likely benign based on ACMG/AMP sequence variant interpretation guidelines (Richards et al. 2015 PMID: 25741868, with internal and published modifications).